The following is an entry in ClinVar:

NM_001170535.3(ATAD3A):c.639G>C (p.Leu213=)

Gene: ATAD3A (ATPase family AAA domain containing 3A; plus strand). Cytogenetic location: 1p36.33.
Variant type: single nucleotide variant.
Coding change: c.639G>C on transcript NM_001170535.3 (MANE Select); coding-DNA position 639, G replaced by C.
Protein change: p.Leu213=; no amino-acid change (leucine 213 retained).
Molecular consequence: synonymous variant.
Genome position (GRCh38, 1-based): chr1:1,520,265, G>C. VCF-style: chr1-1520265-G-C. GRCh37 (hg19) VCF-style: chr1-1455645-G-C.
Other names: c.402G>C, p.Leu134= (NM_001170536.3); c.783G>C, p.Leu261= (NM_018188.5).
Identifiers: ClinVar variation 2638026 (VCV002638026.24), dbSNP rs2524157306, ClinGen allele CA415768517.
Genomic context (GRCh38, chr1:1,520,265, plus strand): 5'-CCGGGCGCGCGCCAAGGCCGAGCGGGAGAATGCAGACATCATCCGCGAGCAGATCCGCCT[G>C]AAGGCGGCCGAGCACCGTCAGACCGTCTTGGAGTCCATCAGGTGAGCACTGCCGAGGCCC-3'
Protein context (NP_001164006.1, residues 203-223): NADIIREQIR[Leu213=]KAAEHRQTVL

ClinVar aggregate classification (germline): Likely benign (1 of 4 stars; one submission).

Submission:

CeGaT Center for Human Genetics Tuebingen
Classification: Likely benign. Last evaluated: 2022-07-01. Review status: criteria provided, single submitter. Criteria: CeGaT Center For Human Genetics Tuebingen Variant Classification Criteria Version 2. Collection method: clinical testing. Allele origin: germline. Affected: yes. Observed: 1 variant allele.
Comment: ATAD3A: PM2:Supporting, BP4, BP7